The following is an entry in ClinVar:

ClinVar aggregate classification (germline): Pathogenic. Review status: criteria provided, multiple submitters, no conflicts (2 of 4 stars). 3 submissions from 3 submitters: Pathogenic (3). Last evaluated 2022-10-12.

Conditions:
Duchenne muscular dystrophy (DMD). Also called: Duchenne Muscular Dystrophy (DMD); MUSCULAR DYSTROPHY, PSEUDOHYPERTROPHIC PROGRESSIVE, DUCHENNE TYPE. Identifiers: Orphanet 98896, MedGen C0013264, MONDO:0010679, OMIM 310200.

Submissions (3):

Labcorp Genetics (formerly Invitae), Labcorp
Classification: Pathogenic for Duchenne muscular dystrophy. Last evaluated: 2022-10-12. Review status: criteria provided, single submitter. Criteria: Invitae Variant Classification Sherloc (09022015). Collection method: clinical testing. Allele origin: germline.
Comment: For these reasons, this variant has been classified as Pathogenic. ClinVar contains an entry for this variant (Variation ID: 280051). This premature translational stop signal has been observed in individual(s) with DMD-related conditions (PMID: 7849724). This variant is not present in population databases (gnomAD no frequency). This sequence change creates a premature translational stop signal (p.Ser622*) in the DMD gene. It is expected to result in an absent or disrupted protein product. Loss-of-function variants in DMD are known to be pathogenic (PMID: 16770791, 25007885).

ARUP Laboratories, Molecular Genetics and Genomics, ARUP Laboratories
Classification: Pathogenic. Last evaluated: 2019-09-17. Review status: criteria provided, single submitter. Criteria: ARUP Molecular Germline Variant Investigation Process. Collection method: clinical testing. Allele origin: germline.
Comment: The DMD c.1865C>G; p.Ser622Ter variant (rs886041344) is reported in the literature in an individual affected with Duchenne muscular dystrophy (Nigro 1994). This variant is absent from general population databases (Exome Variant Server, Genome Aggregation Database), indicating it is not a common polymorphism. This variant induces an early termination codon and is predicted to result in a truncated protein or mRNA subject to nonsense-mediated decay. Based on available information, this variant is considered to be pathogenic. References: Nigro V et al. Novel small mutations along the DMD/BMD gene associated with different phenotypes. Hum Mol Genet. 1994 Oct;3(10):1907-8.

GeneDx
Classification: Pathogenic. Last evaluated: 2018-04-26. Review status: criteria provided, single submitter. Criteria: GeneDx Variant Classification (06012015). Collection method: clinical testing. Allele origin: germline. Affected: yes.
Comment: The S622X nonsense variant in the DMD gene has been reported previously in association with Duchenne muscular dystrophy (Nigro et al., 1994). This pathogenic variant is predicted to cause loss of normal protein function either through protein truncation or nonsense-mediated mRNA decay. Furthermore, the S622X pathogenic variant was not observed in approximately 6,500 individuals of European and African American ancestry in the NHLBI Exome Sequencing Project, indicating it is not a common benign variant in these populations.

Literature cited by the submitters: PubMed 7849724 (cited by Labcorp Genetics (formerly Invitae), Labcorp); PubMed 16770791 (cited by Labcorp Genetics (formerly Invitae), Labcorp); PubMed 25007885 (cited by Labcorp Genetics (formerly Invitae), Labcorp).

NM_004006.3(DMD):c.1865C>G (p.Ser622Ter)

Gene: DMD (dystrophin; minus strand). Cytogenetic location: Xp21.1.
Variant type: single nucleotide variant.
Coding change: c.1865C>G on transcript NM_004006.3 (MANE Select); coding-DNA position 1865, C replaced by G.
Protein change: p.Ser622Ter; replaces serine 622 with a stop codon.
Molecular consequence: nonsense.
Genome position (GRCh38, 1-based): chrX:32,565,829, G>C on the plus strand (C>G on the coding strand, the complement: DMD is on the minus strand). VCF-style: chrX-32565829-G-C. GRCh37 (hg19) VCF-style: chrX-32583946-G-C.
Other names: c.1841C>G, p.Ser614Ter (NM_000109.4); c.1853C>G, p.Ser618Ter (NM_004009.3); c.1496C>G, p.Ser499Ter (NM_004010.3); short protein forms S622*, S499*, S614*, S618*.
Identifiers: ClinVar variation 280051 (VCV000280051.14), dbSNP rs886041344, ClinGen allele CA10603723.